The following is an entry in ClinVar:

ClinVar aggregate classification (germline): Pathogenic (1 of 4 stars; one submission).

Submission:

GeneDx
Classification: Pathogenic. Last evaluated: 2018-03-26. Review status: criteria provided, single submitter. Criteria: GeneDx Variant Classification (06012015). Collection method: clinical testing. Allele origin: germline. Affected: yes.
Comment: The E98X variant in the COL5A1 gene has not been reported as a pathogenic or benign to our knowledge. E98X is predicted to cause loss of normal protein function either by protein truncation or nonsense-mediated mRNA decay. Other nonsense variants in the COL5A1 gene have been reported in Human Gene Mutation Database in association with cEDS (Stenson et al., 2014). Furthermore, the E98X variant is not observed in large population cohorts (Lek et al., 2016).

NM_000093.5(COL5A1):c.292G>T (p.Glu98Ter)

Gene: COL5A1 (collagen type V alpha 1 chain; plus strand). Cytogenetic location: 9q34.3.
Variant type: single nucleotide variant.
Coding change: c.292G>T on transcript NM_000093.5 (MANE Select); coding-DNA position 292, G replaced by T.
Protein change: p.Glu98Ter; replaces glutamic acid 98 with a stop codon.
Molecular consequence: nonsense.
Genome position (GRCh38, 1-based): chr9:134,699,923, G>T. VCF-style: chr9-134699923-G-T. GRCh37 (hg19) VCF-style: chr9-137591769-G-T.
Other names: c.292G>T, p.Glu98Ter (NM_001278074.1); short protein forms E98*.
Identifiers: ClinVar variation 523845 (VCV000523845.2), dbSNP rs369126350, ClinGen allele CA375442340.
Genomic context (GRCh38, chr9:134,699,923, plus strand): 5'-TGCAGGGGCTCCCCGACTGCCTTCTCACCTCTGTGCTCTGTTCCAGCGTCTGCATTTCCC[G>T]AGGACTTCTCCATCCTAACAACTGTGAAAGCCAAGAAAGGCAGCCAGGCCTTCCTGGTCT-3'